The following is an entry in ClinVar:

NM_014423.4(AFF4):c.427G>A (p.Gly143Ser)

Gene: AFF4 (ALF transcription elongation factor 4; minus strand). Cytogenetic location: 5q31.1.
Variant type: single nucleotide variant.
Coding change: c.427G>A on transcript NM_014423.4 (MANE Select); coding-DNA position 427, G replaced by A.
Protein change: p.Gly143Ser; replaces glycine 143 with serine.
Molecular consequence: missense variant.
Genome position (GRCh38, 1-based): chr5:132,934,638, C>T on the plus strand (G>A on the coding strand, the complement: AFF4 is on the minus strand). VCF-style: chr5-132934638-C-T. GRCh37 (hg19) VCF-style: chr5-132270330-C-T.
Other names: c.427G>A (NM_014423.3); short protein forms G143S.
Identifiers: ClinVar variation 1642341 (VCV001642341.12), dbSNP rs111367848, ClinGen allele CA3409438.
Genomic context (GRCh38, chr5:132,934,638, plus strand): 5'-TACTGCTCCCACTATTGTTATATGACTCACGGTCGTGCCTCTGACCACTACTGTTAGTGC[C>T]ACTACTGCTACCTGCGCTGGTCCGCTGGCTACTATGTCCACTCTGTAAGCCTGAGGACCG-3'
Protein context (NP_055238.1, residues 133-153): SQRTSAGSSS[Gly143Ser]TNSSGQRHDR

ClinVar aggregate classification (germline): Likely benign. Review status: criteria provided, multiple submitters, no conflicts (2 of 4 stars). 4 submissions from 4 submitters: Likely benign (3). 1 of the submissions does not count toward it. Last evaluated 2025-08-12.

Conditions:
Cognitive impairment - coarse facies - heart defects - obesity - pulmonary involvement - short stature - skeletal dysplasia syndrome. Also called: Chops syndrome; COGNITIVE IMPAIRMENT, COARSE FACIES, HEART DEFECTS, OBESITY, PULMONARY INVOLVEMENT, SHORT STATURE, AND SKELETAL DYSPLASIA; AFF4-Related CHOPS Syndrome. Identifiers: Orphanet 444077, MedGen C4085597, MONDO:0014609, OMIM 616368.
AFF4-related disorder. Also called: AFF4-related condition.

Allele frequency attached by ClinVar (database versions not stated): gnomAD exomes 0.00003 and 0.00010; 1000 Genomes Project 30x 0.00016; ExAC 0.00016; 1000 Genomes Project 0.00020; gnomAD 0.00058 and 0.00062; TOPMed 0.00073; ESP Exome Variant Server 0.00077.
gnomAD v4.1: 133 of 1,614,130 alleles (0.0082%); highest among the groups gnomAD compares: African/African-American, 0.16%; no homozygotes.

Submissions (4):

Labcorp Genetics (formerly Invitae), Labcorp
Classification: Likely benign for Cognitive impairment - coarse facies - heart defects - obesity - pulmonary involvement - short stature - skeletal dysplasia syndrome. Last evaluated: 2025-08-12. Review status: criteria provided, single submitter. Criteria: Invitae Variant Classification Sherloc (09022015). Collection method: clinical testing. Allele origin: germline.

Blueprint Genetics
Classification: Likely benign. Last evaluated: 2021-12-18. Review status: criteria provided, single submitter. Criteria: ACMG Guidelines, 2015. Collection method: clinical testing. Allele origin: germline.

Breakthrough Genomics
Classification: Likely benign. Review status: criteria provided, single submitter. Criteria: ACMG Guidelines, 2015. Collection method: not provided. Allele origin: germline. Inheritance: Autosomal dominant inheritance. Affected: yes.

PreventionGenetics, part of Exact Sciences
Classification: Likely benign for AFF4-related condition. Last evaluated: 2021-07-26. Review status: no assertion criteria provided. Collection method: clinical testing. Allele origin: germline. Not counted in ClinVar's aggregate classification.
Comment: This variant is classified as likely benign based on ACMG/AMP sequence variant interpretation guidelines (Richards et al. 2015 PMID: 25741868, with internal and published modifications).